The following is an entry in ClinVar:

ClinVar aggregate classification (germline): Benign/Likely benign. Review status: criteria provided, multiple submitters, no conflicts (2 of 4 stars). 4 submissions from 4 submitters: Benign (1); Likely benign (2). 1 of the submissions does not count toward it. Last evaluated 2026-01-25.

Conditions:
Vanishing white matter disease. Also called: CACH syndrome; Childhood ataxia with diffuse central nervous system hypomyelination; Leukoencephalopathy with vanishing white matter; CACH/VWM syndrome; Cree leukoencehalopathy. Identifiers: Orphanet 135, Orphanet 99853, MedGen C1858991, MONDO:0800448.

Allele frequency attached by ClinVar (database versions not stated): gnomAD exomes 0.00007 and 0.00022; ExAC 0.00022; ESP Exome Variant Server 0.00054; gnomAD 0.00070 and 0.00076; TOPMed 0.00074; 1000 Genomes Project 30x 0.00094; 1000 Genomes Project 0.00100.
gnomAD v4.1: 234 of 1,614,158 alleles (0.014%); highest among the groups gnomAD compares: African/African-American, 0.25%; 1 homozygote.

Submissions (4):

Labcorp Genetics (formerly Invitae), Labcorp
Classification: Benign. Last evaluated: 2026-01-25. Review status: criteria provided, single submitter. Criteria: Invitae Variant Classification Sherloc (09022015). Collection method: clinical testing. Allele origin: germline.

Mayo Clinic Laboratories, Mayo Clinic
Classification: Likely benign. Last evaluated: 2025-06-10. Review status: criteria provided, single submitter. Criteria: ACMG Guidelines, 2015. Collection method: clinical testing. Allele origin: germline. Observed: 1 variant allele.
Comment: BS1, BP4, BP7

Blueprint Genetics
Classification: Likely benign. Last evaluated: 2024-08-29. Review status: criteria provided, single submitter. Criteria: ACMG Guidelines, 2015. Collection method: clinical testing. Allele origin: germline.

Natera, Inc.
Classification: Likely benign for Leukoencephalopathy with vanishing white matter. Last evaluated: 2021-01-07. Review status: no assertion criteria provided. Collection method: clinical testing. Allele origin: germline. Not counted in ClinVar's aggregate classification.

NM_003907.3(EIF2B5):c.320+9C>T

Gene: EIF2B5 (eukaryotic translation initiation factor 2B subunit epsilon; plus strand). Cytogenetic location: 3q27.1.
Variant type: single nucleotide variant.
Coding change: c.320+9C>T on transcript NM_003907.3 (MANE Select); 9 bases into the intron after coding-DNA position 320, C replaced by T.
Molecular consequence: intron variant.
Genome position (GRCh38, 1-based): chr3:184,136,745, C>T. VCF-style: chr3-184136745-C-T. GRCh37 (hg19) VCF-style: chr3-183854533-C-T.
Other names: p.?.
Identifiers: ClinVar variation 747404 (VCV000747404.14), dbSNP rs116835002, ClinGen allele CA2726356.